The following is an entry in ClinVar:

ClinVar aggregate classification (germline): Pathogenic. Review status: criteria provided, multiple submitters, no conflicts (2 of 4 stars). 2 submissions from 2 submitters: Pathogenic (2). Last evaluated 2025-05-19.

Submissions (2):

Labcorp Genetics (formerly Invitae), Labcorp
Classification: Pathogenic. Last evaluated: 2025-05-19. Review status: criteria provided, single submitter. Criteria: Invitae Variant Classification Sherloc (09022015). Collection method: clinical testing. Allele origin: germline.
Comment: This sequence change creates a premature translational stop signal (p.Leu41Alafs*11) in the BEST1 gene. It is expected to result in an absent or disrupted protein product. Loss-of-function variants in BEST1 are known to be pathogenic (PMID: 21825197). This variant is not present in population databases (gnomAD no frequency). This variant has not been reported in the literature in individuals affected with BEST1-related conditions. ClinVar contains an entry for this variant (Variation ID: 1451704). For these reasons, this variant has been classified as Pathogenic.

Dasa
Classification: Pathogenic. Last evaluated: 2024-06-20. Review status: criteria provided, single submitter. Criteria: DASA Assertion Criteria. Collection method: clinical testing. Allele origin: germline.
Comment: NM_004183.4(BEST1):c.119dup (p.Leu41Alafs*11) introduces a premature termination codon predicted to result in loss of normal protein function. Loss-of-function is an established mechanism of disease for this gene. Based on the available data, this variant is classified as pathogenic.

Literature cited by the submitters: PubMed 21825197 (cited by Labcorp Genetics (formerly Invitae), Labcorp).

NM_004183.4(BEST1):c.119dup (p.Leu41fs)

Gene: BEST1 (bestrophin 1; plus strand). Cytogenetic location: 11q12.3.
Variant type: Duplication.
Coding change: c.119dup on transcript NM_004183.4 (MANE Select); coding-DNA position 119, one base duplicated (T; older notation c.119dupT).
Protein change: p.Leu41fs; shifts the reading frame from leucine 41.
Molecular consequence: frameshift variant. On other transcripts: non-coding transcript variant (1), intron variant (6).
Genome position (GRCh38, 1-based): chr11:61,951,925, T duplicated. VCF-style (leftmost placement, unchanged base first): chr11-61951924-C-CT. GRCh37 (hg19) VCF-style: chr11-61719396-C-CT.
Other names: c.119dup, p.Leu41fs (NM_001363592.2, NM_001440571.1, NM_001440572.1 and 1 more transcripts); c.-29+1498dup (NM_001139443.3, NM_001300787.2, NM_001440574.1 and 3 more transcripts); short protein forms L41fs.
Identifiers: ClinVar variation 1451704 (VCV001451704.7), dbSNP rs2134410058, ClinGen allele CA2573147307.